The following is an entry in ClinVar:

NM_004933.3(CDH15):c.598G>A (p.Glu200Lys)

Gene: CDH15 (cadherin 15; plus strand). Cytogenetic location: 16q24.3.
Variant type: single nucleotide variant.
Coding change: c.598G>A on transcript NM_004933.3 (MANE Select); coding-DNA position 598, G replaced by A.
Protein change: p.Glu200Lys; replaces glutamic acid 200 with lysine.
Molecular consequence: missense variant.
Genome position (GRCh38, 1-based): chr16:89,185,268, G>A. VCF-style: chr16-89185268-G-A. GRCh37 (hg19) VCF-style: chr16-89251676-G-A.
Other names: short protein forms E200K.
Identifiers: ClinVar variation 128653 (VCV000128653.32), dbSNP rs141084668, ClinGen allele CA230978.
Genomic context (GRCh38, chr16:89,185,268, plus strand): 5'-GACGACCCCGAGACGGACAACGCAGCGCTGCGGTTCTCCATCCTGCAGCAGGGCAGCCCC[G>A]AGCTCTTCAGCATCGACGAGCTCACAGGAGAGATCCGCACAGTGCAAGTGGGGCTGGACC-3'
Protein context (NP_004924.1, residues 190-210): RFSILQQGSP[Glu200Lys]LFSIDELTGE

ClinVar aggregate classification (germline): Conflicting classifications of pathogenicity. Review status: criteria provided, conflicting classifications (1 of 4 stars). 3 submissions from 3 submitters: Uncertain significance (1); Benign (2). Last evaluated 2025-02-28.

Allele frequency attached by ClinVar (database versions not stated): 1000 Genomes Project 30x 0.00047; 1000 Genomes Project 0.00060; gnomAD exomes 0.00079; gnomAD 0.00098 and 0.00101; TOPMed 0.00106; ExAC 0.00120; ESP Exome Variant Server 0.00131.
gnomAD v4.1: 2,413 of 1,605,874 alleles (0.15%); highest among the groups gnomAD compares: Non-Finnish European, 0.19%; 4 homozygotes.

Submissions (3):

Ambry Genetics
Classification: Uncertain significance. Last evaluated: 2025-02-28. Review status: criteria provided, single submitter. Criteria: Ambry Variant Classification Scheme 2023. Collection method: clinical testing. Allele origin: germline.

CeGaT Center for Human Genetics Tuebingen
Classification: Benign. Last evaluated: 2022-11-01. Review status: criteria provided, single submitter. Criteria: CeGaT Center For Human Genetics Tuebingen Variant Classification Criteria Version 2. Collection method: clinical testing. Allele origin: germline. Affected: yes. Observed: 2 variant alleles.
Comment: CDH15: BS1, BS2

Genetic Services Laboratory, University of Chicago
Classification: Benign. Last evaluated: 2017-12-08. Review status: criteria provided, single submitter. Criteria: ACMG Guidelines, 2015. Collection method: clinical testing. Allele origin: germline. Affected: no.